The following is an entry in ClinVar:

NM_000138.5(FBN1):c.8310C>T (p.His2770=)

Gene: FBN1 (fibrillin 1; minus strand). Cytogenetic location: 15q21.1.
Variant type: single nucleotide variant.
Coding change: c.8310C>T on transcript NM_000138.5 (MANE Select); coding-DNA position 8310, C replaced by T.
Protein change: p.His2770=; no amino-acid change (histidine 2770 retained).
Molecular consequence: synonymous variant.
Genome position (GRCh38, 1-based): chr15:48,411,296, G>A on the plus strand (C>T on the coding strand, the complement: FBN1 is on the minus strand). VCF-style: chr15-48411296-G-A. GRCh37 (hg19) VCF-style: chr15-48703493-G-A.
Identifiers: ClinVar variation 316360 (VCV000316360.63), dbSNP rs112189340, ClinGen allele CA059919.
Genomic context (GRCh38, chr15:48,411,296, plus strand): 5'-GTGATTCGTCAGAGTTGTAAGAGCTGGAAGGAGTTCTAGGATTCGAACCTTGTTACTGAC[G>A]TGGGAAATATTGAAAGCAAAGATGGCTGTCTTCTCAACATCCCAACTTGCAAGACTCACA-3'
Protein context (NP_000129.3, residues 2760-2780): KTAIFAFNIS[His2770=]VSNKVRILEL

ClinVar aggregate classification (germline): Conflicting classifications of pathogenicity. Review status: criteria provided, conflicting classifications (1 of 4 stars). 20 submissions from 14 submitters: Uncertain significance (1); Benign (7); Likely benign (9). 3 of the submissions do not count toward it. Last evaluated 2026-08-01.

Conditions:
Familial thoracic aortic aneurysm and aortic dissection (TAAD). Also called: Thoracic aortic aneurysms and dissections. Identifiers: Orphanet 91387, MedGen C4707243, MONDO:0019625.
Connective tissue disorder. Also called: Connective tissue disease. Identifiers: MedGen C0009782, MONDO:0003900.
Geleophysic dysplasia. Identifiers: Orphanet 2623, MedGen C3489726, MONDO:0000127.
Ectopia lentis 1, isolated, autosomal dominant (ECTOL1). Identifiers: Orphanet 1885, MedGen C3541518, MONDO:0007514, OMIM 129600.
Stiff skin syndrome (SSKS). Identifiers: Orphanet 2833, MedGen C1861456, MONDO:0008492, OMIM 184900.
Weill-Marchesani syndrome. Also called: WM Syndrome; Mesodermal dysmorphodystrophy congenital. Identifiers: Orphanet 3449, MedGen C0265313, MONDO:0018096.
Marfan syndrome (MFS). Also called: Marfan syndrome, classic; Marfan syndrome type 1; Marfan's syndrome; MARFAN SYNDROME, TYPE I; FBN1-Related Marfan Syndrome. Identifiers: Orphanet 284963, Orphanet 558, MedGen C0024796, MONDO:0007947, OMIM 154700.
Acromicric dysplasia (ACMICD). Also called: Acromicric skeletal dysplasia. Identifiers: Orphanet 969, MedGen C0265287, MONDO:0007055, OMIM 102370.
FBN1-related disorder. Also called: FBN1-related disorders.

Allele frequency attached by ClinVar (database versions not stated): gnomAD 0.00006; ESP Exome Variant Server 0.00015; ExAC 0.00018; TOPMed 0.00021; gnomAD exomes 0.00023.
gnomAD v4.1: 276 of 1,614,008 alleles (0.017%); highest among the groups gnomAD compares: Middle Eastern, 0.18%; 1 homozygote.

Submissions (20):

CeGaT Center for Human Genetics Tuebingen
Classification: Likely benign. Last evaluated: 2026-08-01. Review status: criteria provided, single submitter. Criteria: CeGaT Center For Human Genetics Tuebingen Variant Classification Criteria Version 2. Collection method: clinical testing. Allele origin: germline. Affected: yes. Observed: 6 variant alleles.
Comment: FBN1: BP4, BP7

Molecular Diagnostic Laboratory for Inherited Cardiovascular Disease, Montreal Heart Institute
Classification: Likely benign. Last evaluated: 2026-03-27. Review status: criteria provided, single submitter. Criteria: ACMG Guidelines, 2015. Collection method: clinical testing. Allele origin: germline. Affected: no.
Comment: BS1;BP7

Labcorp Genetics (formerly Invitae), Labcorp
Classification: Likely benign for Marfan syndrome; Familial thoracic aortic aneurysm and aortic dissection. Last evaluated: 2026-01-14. Review status: criteria provided, single submitter. Criteria: Invitae Variant Classification Sherloc (09022015). Collection method: clinical testing. Allele origin: germline.

Blueprint Genetics
Classification: Likely benign. Last evaluated: 2024-11-25. Review status: criteria provided, single submitter. Criteria: ACMG Guidelines, 2015. Collection method: clinical testing. Allele origin: germline.

ARUP Laboratories, Molecular Genetics and Genomics, ARUP Laboratories
Classification: Likely benign. Last evaluated: 2024-08-26. Review status: criteria provided, single submitter. Criteria: ARUP Molecular Germline Variant Investigation Process 2024. Collection method: clinical testing. Allele origin: germline.

All of Us Research Program, National Institutes of Health
Classification: Likely benign for Marfan syndrome. Last evaluated: 2024-02-05. Review status: criteria provided, single submitter. Criteria: ACMG Guidelines, 2015. Collection method: clinical testing. Allele origin: germline. Inheritance: Autosomal dominant inheritance. Observed: 43 variant alleles, 43 heterozygotes.
Comment: This study involves interpretation of variants in research participants for the purpose of population health screening. Participant phenotype was not available at the time of variant classification. Additional details can be found in publication PMID: 35346344, PMCID: PMC8962531

Genome Diagnostics Laboratory, The Hospital for Sick Children
Classification: Likely benign for Connective tissue disorder. Last evaluated: 2022-07-21. Review status: criteria provided, single submitter. Criteria: ACMG Guidelines, 2015. Collection method: clinical testing. Allele origin: germline.

Ambry Genetics
Classification: Benign for Familial thoracic aortic aneurysm and aortic dissection. Last evaluated: 2020-12-01. Review status: criteria provided, single submitter. Criteria: Ambry Variant Classification Scheme 2023. Collection method: clinical testing. Allele origin: germline.

Color Diagnostics, LLC DBA Color Health
Classification: Likely benign for Familial thoracic aortic aneurysm and aortic dissection. Last evaluated: 2018-10-30. Review status: criteria provided, single submitter. Criteria: ACMG Guidelines, 2015. Collection method: clinical testing. Allele origin: germline.

Illumina Laboratory Services, Illumina
Classification: Benign for Ectopia lentis 1, isolated, autosomal dominant. Last evaluated: 2018-01-13. Review status: criteria provided, single submitter. Criteria: ICSL Variant Classification Criteria 13 December 2019. Collection method: clinical testing. Allele origin: germline.
Comment: This variant was observed in the ICSL laboratory as part of a predisposition screen in an ostensibly healthy population. It had not been previously curated by ICSL or reported in the Human Gene Mutation Database (HGMD: prior to June 1st, 2018), and was therefore a candidate for classification through an automated scoring system. Utilizing variant allele frequency, disease prevalence and penetrance estimates, and inheritance mode, an automated score was calculated to assess if this variant is too frequent to cause the disease. Based on the score and internal cut-off values, a variant classified as benign is not then subjected to further curation. The score for this variant resulted in a classification of benign for this disease.

Illumina Laboratory Services, Illumina
Classification: Benign for Geleophysic dysplasia. Last evaluated: 2018-01-13. Review status: criteria provided, single submitter. Criteria: ICSL Variant Classification Criteria 13 December 2019. Collection method: clinical testing. Allele origin: germline.
Comment: the same text as in the submission from Illumina Laboratory Services, Illumina above.

Illumina Laboratory Services, Illumina
Classification: Benign for Acromicric dysplasia. Last evaluated: 2018-01-13. Review status: criteria provided, single submitter. Criteria: ICSL Variant Classification Criteria 13 December 2019. Collection method: clinical testing. Allele origin: germline.
Comment: the same text as in the submission from Illumina Laboratory Services, Illumina above.

Illumina Laboratory Services, Illumina
Classification: Uncertain significance for Familial thoracic aortic aneurysm and aortic dissection. Last evaluated: 2018-01-13. Review status: criteria provided, single submitter. Criteria: ICSL Variant Classification Criteria 13 December 2019. Collection method: clinical testing. Allele origin: germline.

Illumina Laboratory Services, Illumina
Classification: Likely benign for Marfan syndrome. Last evaluated: 2018-01-13. Review status: criteria provided, single submitter. Criteria: ICSL Variant Classification Criteria 13 December 2019. Collection method: clinical testing. Allele origin: germline.
Comment: This variant was observed in the ICSL laboratory as part of a predisposition screen in an ostensibly healthy population. It had not been previously curated by ICSL or reported in the Human Gene Mutation Database (HGMD: prior to June 1st, 2018), and was therefore a candidate for classification through an automated scoring system. Utilizing variant allele frequency, disease prevalence and penetrance estimates, and inheritance mode, an automated score was calculated to assess if this variant is too frequent to cause the disease. Based on the score and internal cut-off values, a variant classified as likely benign is not then subjected to further curation. The score for this variant resulted in a classification of likely benign for this disease.

Illumina Laboratory Services, Illumina
Classification: Benign for Stiff skin syndrome. Last evaluated: 2018-01-13. Review status: criteria provided, single submitter. Criteria: ICSL Variant Classification Criteria 13 December 2019. Collection method: clinical testing. Allele origin: germline.
Comment: the same text as in the submission from Illumina Laboratory Services, Illumina above.

Illumina Laboratory Services, Illumina
Classification: Benign for Weill-Marchesani syndrome. Last evaluated: 2018-01-13. Review status: criteria provided, single submitter. Criteria: ICSL Variant Classification Criteria 13 December 2019. Collection method: clinical testing. Allele origin: germline.
Comment: the same text as in the submission from Illumina Laboratory Services, Illumina above.

GeneDx
Classification: Benign. Last evaluated: 2015-03-03. Review status: criteria provided, single submitter. Criteria: GeneDx Variant Classification Process June 2021. Collection method: clinical testing. Allele origin: germline. Affected: yes.

PreventionGenetics, part of Exact Sciences
Classification: Likely benign for FBN1-related condition. Last evaluated: 2024-03-08. Review status: no assertion criteria provided. Collection method: clinical testing. Allele origin: germline. Not counted in ClinVar's aggregate classification.
Comment: This variant is classified as likely benign based on ACMG/AMP sequence variant interpretation guidelines (Richards et al. 2015 PMID: 25741868, with internal and published modifications).

Clinical Genetics DNA and cytogenetics Diagnostics Lab, Erasmus MC, Erasmus Medical Center
Classification: Likely benign. Review status: no assertion criteria provided. Collection method: clinical testing. Allele origin: germline. Affected: yes. Study: VKGL Data-share Consensus. Not counted in ClinVar's aggregate classification.

Genome Diagnostics Laboratory, University Medical Center Utrecht
Classification: Likely benign. Review status: no assertion criteria provided. Collection method: clinical testing. Allele origin: germline. Affected: yes. Study: VKGL Data-share Consensus. Not counted in ClinVar's aggregate classification.